The following is an entry in ClinVar:

NM_000070.3(CAPN3):c.2292C>T (p.Asp764=)

Gene: CAPN3 (calpain 3; plus strand). Cytogenetic location: 15q15.1.
Variant type: single nucleotide variant.
Coding change: c.2292C>T on transcript NM_000070.3 (MANE Select); coding-DNA position 2292, C replaced by T.
Protein change: p.Asp764=; no amino-acid change (aspartic acid 764 retained).
Molecular consequence: synonymous variant.
Genome position (GRCh38, 1-based): chr15:42,410,912, C>T. VCF-style: chr15-42410912-C-T. GRCh37 (hg19) VCF-style: chr15-42703110-C-T.
Other names: c.2274C>T, p.Asp758= (NM_024344.2); c.2016C>T, p.Asp672= (NM_173087.2); c.756C>T, p.Asp252= (NM_173088.2); c.297C>T, p.Asp99= (NM_173089.2, NM_173090.2).
Identifiers: ClinVar variation 498215 (VCV000498215.23), dbSNP rs187279903, ClinGen allele CA7511822.

ClinVar aggregate classification (germline): Conflicting classifications of pathogenicity. Review status: criteria provided, conflicting classifications (1 of 4 stars). 3 submissions from 3 submitters: Uncertain significance (1); Likely benign (2). Last evaluated 2026-01-20.

Conditions:
Autosomal recessive limb-girdle muscular dystrophy type 2A (LGMDR1). Also called: Calpainopathy; LEYDEN-MOEBIUS MUSCULAR DYSTROPHY; MUSCULAR DYSTROPHY, PELVOFEMORAL; Muscular dystrophy, limb-girdle, type 2A, Amish; Limb-girdle muscular dystrophy, type 2A. Identifiers: Orphanet 267, MedGen C1869123, MONDO:0009675, OMIM 253600. Disease mechanism: loss of function.

Allele frequency attached by ClinVar (database versions not stated): ESP Exome Variant Server 0.00015; gnomAD 0.00033; TOPMed 0.00038; 1000 Genomes Project 30x 0.00047; 1000 Genomes Project 0.00060; gnomAD exomes 0.00002 and 0.00008; ExAC 0.00013.
gnomAD v4.1: 91 of 1,614,148 alleles (0.0056%); highest among the groups gnomAD compares: African/African-American, 0.088%; no homozygotes.

Submissions (3):

Labcorp Genetics (formerly Invitae), Labcorp
Classification: Likely benign for Autosomal recessive limb-girdle muscular dystrophy type 2A. Last evaluated: 2026-01-20. Review status: criteria provided, single submitter. Criteria: Invitae Variant Classification Sherloc (09022015). Collection method: clinical testing. Allele origin: germline.

CeGaT Center for Human Genetics Tuebingen
Classification: Likely benign. Last evaluated: 2025-07-01. Review status: criteria provided, single submitter. Criteria: CeGaT Center For Human Genetics Tuebingen Variant Classification Criteria Version 2. Collection method: clinical testing. Allele origin: germline. Affected: yes. Observed: 1 variant allele.
Comment: CAPN3: BP4, BP7

Eurofins Ntd Llc (ga)
Classification: Uncertain significance. Last evaluated: 2016-10-27. Review status: criteria provided, single submitter. Criteria: EGL Classification Definitions 2015. Collection method: clinical testing. Allele origin: germline. Observed: 1 variant allele, 1 heterozygote.